The following is an entry in ClinVar:

NM_198252.3(GSN):c.1101G>A (p.Glu367=)

Gene: GSN (gelsolin; plus strand). Cytogenetic location: 9q33.2.
Variant type: single nucleotide variant.
Coding change: c.1101G>A on transcript NM_198252.3 (MANE Select); coding-DNA position 1101, G replaced by A.
Protein change: p.Glu367=; no amino-acid change (glutamic acid 367 retained).
Molecular consequence: synonymous variant.
Genome position (GRCh38, 1-based): chr9:121,318,790, G>A. VCF-style: chr9-121318790-G-A. GRCh37 (hg19) VCF-style: chr9-124081068-G-A.
Other names: c.1254G>A, p.Glu418= (NM_000177.5); c.1101G>A, p.Glu367= (NM_001127662.2, NM_001127664.2, NM_001127665.2 and 10 more transcripts); c.1209G>A, p.Glu403= (NM_001127663.2); c.1134G>A, p.Glu378= (NM_001127666.2, NM_001127667.2, NM_001353063.2 and 13 more transcripts); c.1152G>A, p.Glu384= (NM_001258029.2); c.1125G>A, p.Glu375= (NM_001258030.2); c.1173G>A, p.Glu391= (NM_001353076.2); c.447G>A, p.Glu149= (NM_001353078.2); and 1 more.
Identifiers: ClinVar variation 1586647 (VCV001586647.9), dbSNP rs371171301, ClinGen allele CA5221146.

ClinVar aggregate classification (germline): Likely benign. Review status: criteria provided, multiple submitters, no conflicts (2 of 4 stars). 2 submissions from 2 submitters: Likely benign (2). Last evaluated 2026-07-02.

Conditions:
GSN-related disorder. Also called: GSN-related condition.

Allele frequency attached by ClinVar (database versions not stated): gnomAD exomes 0.00005 and 0.00016; TOPMed 0.00005; ExAC 0.00006; gnomAD 0.00006; ESP Exome Variant Server 0.00008.
gnomAD v4.1: 232 of 1,614,046 alleles (0.014%); highest among the groups gnomAD compares: Non-Finnish European, 0.019%; no homozygotes.

Submissions (2):

PreventionGenetics, part of Exact Sciences
Classification: Likely benign for GSN-related condition. Last evaluated: 2026-07-02. Review status: criteria provided, single submitter. Criteria: ACMG Guidelines, 2015. Collection method: clinical testing. Allele origin: germline.
Comment: This variant is classified as likely benign based on ACMG/AMP sequence variant interpretation guidelines (Richards et al. 2015 PMID: 25741868, with internal and published modifications).

Labcorp Genetics (formerly Invitae), Labcorp
Classification: Likely benign. Last evaluated: 2025-10-21. Review status: criteria provided, single submitter. Criteria: Invitae Variant Classification Sherloc (09022015). Collection method: clinical testing. Allele origin: germline.